The following is an entry in ClinVar:

NM_000360.4(TH):c.1047+1G>T

Gene: TH (tyrosine hydroxylase; minus strand). Cytogenetic location: 11p15.5.
Variant type: single nucleotide variant.
Coding change: c.1047+1G>T on transcript NM_000360.4 (MANE Select); the canonical splice donor site of the intron after coding-DNA position 1047, G replaced by T.
Molecular consequence: splice donor variant.
Genome position (GRCh38, 1-based): chr11:2,166,479, C>A on the plus strand (G>T on the coding strand, the complement: TH is on the minus strand). VCF-style: chr11-2166479-C-A. GRCh37 (hg19) VCF-style: chr11-2187709-C-A.
Other names: c.1128+1G>T (NM_199293.3); c.1140+1G>T (NM_199292.3).
Identifiers: ClinVar variation 2861451 (VCV002861451.3), dbSNP rs1340482195, ClinGen allele CA379125916.

ClinVar aggregate classification (germline): Likely pathogenic (1 of 4 stars; one submission).

Conditions:
TH-deficient dopa-responsive dystonia. Also called: Tyrosine Hydroxylase-Deficient Dopa-Responsive Dystonia; Segawa syndrome, autosomal recessive; DYT-TH. Identifiers: Orphanet 101150, MedGen C2673535, MONDO:0011551, OMIM 605407.

Submission:

Labcorp Genetics (formerly Invitae), Labcorp
Classification: Likely pathogenic for TH-deficient dopa-responsive dystonia. Last evaluated: 2023-05-02. Review status: criteria provided, single submitter. Criteria: Invitae Variant Classification Sherloc (09022015). Collection method: clinical testing. Allele origin: germline.
Comment: Algorithms developed to predict the effect of sequence changes on RNA splicing suggest that this variant may disrupt the consensus splice site. This variant has not been reported in the literature in individuals affected with TH-related conditions. This variant is not present in population databases (gnomAD no frequency). This sequence change affects a donor splice site in intron 10 of the TH gene. It is expected to disrupt RNA splicing. Variants that disrupt the donor or acceptor splice site typically lead to a loss of protein function (PMID: 16199547), and loss-of-function variants in TH are known to be pathogenic (PMID: 22264700, 24753243). In summary, the currently available evidence indicates that the variant is pathogenic, but additional data are needed to prove that conclusively. Therefore, this variant has been classified as Likely Pathogenic.

Literature cited by the submitters: PubMed 16199547; PubMed 22264700; PubMed 24753243.